The following is an entry in ClinVar:

NM_138409.4(MRAP2):c.78A>C (p.Glu26Asp)

Gene: MRAP2 (melanocortin 2 receptor accessory protein 2; plus strand). Cytogenetic location: 6q14.2.
Variant type: single nucleotide variant.
Coding change: c.78A>C on transcript NM_138409.4 (MANE Select); coding-DNA position 78, A replaced by C.
Protein change: p.Glu26Asp; replaces glutamic acid 26 with aspartic acid.
Molecular consequence: missense variant. On other transcripts: 5 prime UTR variant (2).
Genome position (GRCh38, 1-based): chr6:84,055,396, A>C. VCF-style: chr6-84055396-A-C. GRCh37 (hg19) VCF-style: chr6-84765115-A-C.
Other names: c.-81A>C (NM_001346541.2); c.78A>C, p.Glu26Asp (NM_001346542.2, NM_001346544.2); c.-182A>C (NM_001346543.2); short protein forms E26D.
Identifiers: ClinVar variation 4992168 (VCV004992168.1).
Genomic context (GRCh38, chr6:84,055,396, plus strand): 5'-AATTTCTAACAGAACCTCCCAGCAATCGGCATCTAATTCTGATTACACCTGGGAATATGA[A>C]TATTATGAGATTGGACCAGTTTCCTTTGAAGGACTGAAGGCTCATAAATGTAAGTTTTAT-3'
Protein context (NP_612418.2, residues 16-36): ASNSDYTWEY[Glu26Asp]YYEIGPVSFE

ClinVar aggregate classification (germline): Uncertain significance (1 of 4 stars; one submission).

Conditions:
MRAP2-related disorder. Also called: MRAP2-related condition.

Submission:

PreventionGenetics, part of Exact Sciences
Classification: Uncertain significance for MRAP2-related condition. Last evaluated: 2026-05-25. Review status: criteria provided, single submitter. Criteria: ACMG Guidelines, 2015. Collection method: clinical testing. Allele origin: germline.
Comment: The MRAP2 c.78A>C variant is predicted to result in the amino acid substitution p.Glu26Asp. To our knowledge, this variant has not been reported in the literature or in a large population database (gnomAD), indicating this variant is rare. At this time, the clinical significance of this variant is uncertain due to the absence of conclusive functional and genetic evidence.